The following is an entry in ClinVar:

ClinVar aggregate classification (germline): Benign (0 of 4 stars; one submission).

Conditions:
RIMS3-related disorder. Also called: RIMS3-related condition.

Allele frequency attached by ClinVar (database versions not stated): ExAC 0.00367; ESP Exome Variant Server 0.01223; 1000 Genomes Project 0.01438; 1000 Genomes Project 30x 0.01468.
gnomAD v4.1: 3,256 of 1,613,744 alleles (0.2%); highest among the groups gnomAD compares: African/African-American, 3.8%; 56 homozygotes.

Submission:

PreventionGenetics, part of Exact Sciences
Classification: Benign for RIMS3-related condition. Last evaluated: 2019-05-28. Review status: no assertion criteria provided. Collection method: clinical testing. Allele origin: germline.
Comment: This variant is classified as benign based on ACMG/AMP sequence variant interpretation guidelines (Richards et al. 2015 PMID: 25741868, with internal and published modifications).

NM_014747.3(RIMS3):c.30A>C (p.Ser10=)

Gene: RIMS3 (regulating synaptic membrane exocytosis 3; minus strand). Cytogenetic location: 1p34.2.
Variant type: single nucleotide variant.
Coding change: c.30A>C on transcript NM_014747.3 (MANE Select); coding-DNA position 30, A replaced by C.
Protein change: p.Ser10=; no amino-acid change (serine 10 retained).
Molecular consequence: synonymous variant.
Genome position (GRCh38, 1-based): chr1:40,641,896, T>G on the plus strand (A>C on the coding strand, the complement: RIMS3 is on the minus strand). VCF-style: chr1-40641896-T-G. GRCh37 (hg19) VCF-style: chr1-41107568-T-G.
Identifiers: ClinVar variation 3039579 (VCV003039579.2), dbSNP rs666631, ClinGen allele CA793976.